The following is an entry in ClinVar:

ClinVar aggregate classification (germline): Likely benign. Review status: criteria provided, multiple submitters, no conflicts (2 of 4 stars). 2 submissions from 2 submitters: Likely benign (2). Last evaluated 2025-03-20.

Conditions:
Costello syndrome (CSTLO). Also called: HRAS-Related Costello Syndrome; FACIOCUTANEOSKELETAL SYNDROME; FCS SYNDROME. Identifiers: Orphanet 3071, MedGen C0587248, MONDO:0009026, OMIM 218040.

Allele frequency attached by ClinVar (database versions not stated): gnomAD exomes below 0.00001 and 0.00001; gnomAD 0.00001.
gnomAD v4.1: 14 of 1,609,066 alleles (0.00087%); highest among the groups gnomAD compares: East Asian, 0.0045%; no homozygotes.

Submissions (2):

Labcorp Genetics (formerly Invitae), Labcorp
Classification: Likely benign for Costello syndrome. Last evaluated: 2025-03-20. Review status: criteria provided, single submitter. Criteria: Invitae Variant Classification Sherloc (09022015). Collection method: clinical testing. Allele origin: germline.

Laboratory for Molecular Medicine, Mass General Brigham Personalized Medicine
Classification: Likely benign. Last evaluated: 2013-07-17. Review status: criteria provided, single submitter. Criteria: LMM Criteria. Collection method: clinical testing. Allele origin: germline. Observed: 1 variant allele.
Comment: 112-10C>T in Intron 2 of HRAS: This variant is not expected to have clinical sig nificance because it is not located within the splice consensus sequence and due to a lack of conservation of this nucleotide position across species, including mammals.

NM_005343.4(HRAS):c.112-10C>T

Genes: HRAS (HRas proto-oncogene, GTPase; minus strand), LRRC56 (leucine rich repeat containing 56; plus strand). Cytogenetic location: 11p15.5.
Variant type: single nucleotide variant.
Coding change: c.112-10C>T on transcript NM_005343.4 (MANE Select); 10 bases into the intron before coding-DNA position 112, C replaced by T.
Molecular consequence: intron variant.
Genome position (GRCh38, 1-based): chr11:533,954, G>A on the plus strand (C>T on the coding strand, the complement: HRAS is on the minus strand). VCF-style: chr11-533954-G-A. GRCh37 (hg19) VCF-style: chr11-533954-G-A.
Other names: c.112-10C>T (NM_001130442.3, NM_176795.5); c.-208-10C>T (NM_001318054.2).
Identifiers: ClinVar variation 163689 (VCV000163689.12), dbSNP rs727503092, ClinGen allele CA176352.